The following is an entry in ClinVar:

NM_024529.5(CDC73):c.762A>T (p.Gln254His)

Gene: CDC73 (cell division cycle 73; plus strand). Cytogenetic location: 1q31.2.
Variant type: single nucleotide variant.
Coding change: c.762A>T on transcript NM_024529.5 (MANE Select); coding-DNA position 762, A replaced by T.
Protein change: p.Gln254His; replaces glutamine 254 with histidine.
Molecular consequence: missense variant.
Genome position (GRCh38, 1-based): chr1:193,147,899, A>T. VCF-style: chr1-193147899-A-T. GRCh37 (hg19) VCF-style: chr1-193117029-A-T.
Other names: short protein forms Q254H.
Identifiers: ClinVar variation 2459532 (VCV002459532.6), dbSNP rs141847473, ClinGen allele CA343963919.

ClinVar aggregate classification (germline): Uncertain significance. Review status: criteria provided, multiple submitters, no conflicts (2 of 4 stars). 3 submissions from 3 submitters: Uncertain significance (3). Last evaluated 2024-04-12.

Conditions:
Parathyroid carcinoma (PRTC). Also called: Parathyroid gland carcinoma; CDC73-Related Parathyroid Carcinoma. Identifiers: Orphanet 143, MedGen C0687150, MONDO:0012004, OMIM 608266, HP:0006780.
Hereditary cancer-predisposing syndrome. Also called: Hereditary neoplastic syndrome; Tumor predisposition; Neoplastic Syndromes, Hereditary; Hereditary Cancer Syndrome. Identifiers: Orphanet 140162, MedGen C0027672, MeSH D009386, MONDO:0015356.
Hyperparathyroidism 1 (HRPT1). Also called: HYPERPARATHYROIDISM, FAMILIAL ISOLATED PRIMARY. Identifiers: Orphanet 99879, MedGen C1840402, MONDO:0007767, OMIM 145000.
Hyperparathyroidism 2 with jaw tumors. Also called: Hyperparathyroidism 2; Hyperparathyroidism-Jaw Tumor Syndrome; HYPERPARATHYROIDISM, FAMILIAL PRIMARY, WITH MULTIPLE OSSIFYING JAW FIBROMAS; HYPERPARATHYROIDISM-JAW TUMOR SYNDROME, HEREDITARY. Identifiers: Orphanet 99880, MedGen C1704981, MONDO:0007768, OMIM 145001.

gnomAD v4.1: 1 of 1,613,066 alleles (0.000062%); highest among the groups gnomAD compares: South Asian, 0.0011%; no homozygotes.

Submissions (3):

Fulgent Genetics
Classification: Uncertain significance for Hyperparathyroidism 1; Hyperparathyroidism 2 with jaw tumors; Parathyroid carcinoma. Last evaluated: 2024-04-12. Review status: criteria provided, single submitter. Criteria: ACMG Guidelines, 2015. Collection method: clinical testing. Allele origin: germline.

Labcorp Genetics (formerly Invitae), Labcorp
Classification: Uncertain significance for Parathyroid carcinoma. Last evaluated: 2024-02-25. Review status: criteria provided, single submitter. Criteria: Invitae Variant Classification Sherloc (09022015). Collection method: clinical testing. Allele origin: germline.
Comment: This sequence change replaces glutamine, which is neutral and polar, with histidine, which is basic and polar, at codon 254 of the CDC73 protein (p.Gln254His). This variant is not present in population databases (gnomAD no frequency). This variant has not been reported in the literature in individuals affected with CDC73-related conditions. ClinVar contains an entry for this variant (Variation ID: 2459532). Advanced modeling of protein sequence and biophysical properties (such as structural, functional, and spatial information, amino acid conservation, physicochemical variation, residue mobility, and thermodynamic stability) performed at Invitae indicates that this missense variant is not expected to disrupt CDC73 protein function with a negative predictive value of 80%. In summary, the available evidence is currently insufficient to determine the role of this variant in disease. Therefore, it has been classified as a Variant of Uncertain Significance.

Ambry Genetics
Classification: Uncertain significance for Hereditary cancer-predisposing syndrome. Last evaluated: 2022-12-11. Review status: criteria provided, single submitter. Criteria: Ambry Variant Classification Scheme 2023. Collection method: clinical testing. Allele origin: germline.
Comment: The p.Q254H variant (also known as c.762A>T), located in coding exon 8 of the CDC73 gene, results from an A to T substitution at nucleotide position 762. The glutamine at codon 254 is replaced by histidine, an amino acid with highly similar properties. This amino acid position is conserved. In addition, this alteration is predicted to be tolerated by in silico analysis. Since supporting evidence is limited at this time, the clinical significance of this alteration remains unclear.